The following is an entry in ClinVar:

ClinVar aggregate classification (germline): Benign/Likely benign. Review status: criteria provided, multiple submitters, no conflicts (2 of 4 stars). 4 submissions from 4 submitters: Benign (1); Likely benign (2). 1 of the submissions does not count toward it. Last evaluated 2025-12-01.

Conditions:
Febrile seizures, familial, 11 (FEB11). Also called: CONVULSIONS, FAMILIAL FEBRILE, 11. Identifiers: MedGen C3280734, MONDO:0024566, OMIM 614418.

Allele frequency attached by ClinVar (database versions not stated): 1000 Genomes Project 30x 0.00359; gnomAD exomes 0.00037 and 0.00066; gnomAD 0.00251 and 0.00266; ESP Exome Variant Server 0.00284; 1000 Genomes Project 0.00419; ExAC 0.00085; TOPMed 0.00329.
gnomAD v4.1: 950 of 1,614,032 alleles (0.059%); highest among the groups gnomAD compares: African/African-American, 1.1%; 9 homozygotes.

Submissions (4):

Labcorp Genetics (formerly Invitae), Labcorp
Classification: Benign for Febrile seizures, familial, 11. Last evaluated: 2025-12-01. Review status: criteria provided, single submitter. Criteria: Invitae Variant Classification Sherloc (09022015). Collection method: clinical testing. Allele origin: germline.

Center for Pediatric Genomic Medicine, Children's Mercy Hospital and Clinics
Classification: Likely benign. Last evaluated: 2017-02-22. Review status: criteria provided, single submitter. Criteria: ACMG Guidelines, 2015. Collection method: clinical testing. Allele origin: germline.

Eurofins Ntd Llc (ga)
Classification: Likely benign. Last evaluated: 2014-12-02. Review status: criteria provided, single submitter. Criteria: EGL Classification Definitions 2015. Collection method: clinical testing. Allele origin: germline. Observed: 1 variant allele, 1 heterozygote.

Department of Pathology and Laboratory Medicine, Sinai Health System
Classification: Uncertain significance. Review status: no assertion criteria provided. Collection method: clinical testing. Allele origin: unknown. Affected: yes. Study: The Canadian Open Genetics Repository (COGR). Not counted in ClinVar's aggregate classification.
Comment: The CPA6 p.Leu413Phe variant was not identified in the literature but was identified in dbSNP (ID: rs142597675), ClinVar (classified as likely benign by Center for Pediatric Genomic Medicine, Children's Mercy Hospital and EGL Genetics) and LOVD 3.0 (classified as likely benign). The variant was identified in control databases in 240 of 282796 chromosomes (1 homozygous) at a frequency of 0.000849 increasing the likelihood this could be a low frequency benign variant (Genome Aggregation Database March 6, 2019, v2.1.1). The variant was observed in the following populations: African in 213 of 24962 chromosomes (freq: 0.008533), Other in 3 of 7224 chromosomes (freq: 0.000415), Latino in 13 of 35436 chromosomes (freq: 0.000367), European (non-Finnish) in 9 of 129114 chromosomes (freq: 0.00007) and South Asian in 2 of 30616 chromosomes (freq: 0.000065), but was not observed in the Ashkenazi Jewish, East Asian and European (Finnish) populations. The p.Leu413 residue is conserved in mammals but not in more distantly related organisms however four out of five computational analyses (PolyPhen-2, SIFT, AlignGVGD, BLOSUM, MutationTaster) do not suggest a high likelihood of impact to the protein; this information is not predictive enough to rule out pathogenicity. However a study of CPA6 variants reported in the general population suggests that although leucine and phenylalanine are similar in size, phenylalanine is a little larger and this may displace the hydrodynamic balance of surrounding residues (Sapio_2012_PMID: 23105115). The variant occurs outside of the splicing consensus sequence and in silico or computational prediction software programs (SpliceSiteFinder, MaxEntScan, NNSPLICE, GeneSplicer) do not predict a difference in splicing. In summary, based on the above information the clinical significance of this variant cannot be determined with certainty at this time. This variant is classified as a variant of uncertain significance.

NM_020361.5(CPA6):c.1237C>T (p.Leu413Phe)

Genes: ARFGEF1-DT (ARFGEF1 divergent transcript; plus strand), CPA6 (carboxypeptidase A6; minus strand). Cytogenetic location: 8q13.2.
Variant type: single nucleotide variant.
Coding change: c.1237C>T on transcript NM_020361.5 (MANE Select); coding-DNA position 1237, C replaced by T.
Protein change: p.Leu413Phe; replaces leucine 413 with phenylalanine.
Molecular consequence: missense variant.
Genome position (GRCh38, 1-based): chr8:67,422,581, G>A on the plus strand (C>T on the coding strand, the complement: CPA6 is on the minus strand). VCF-style: chr8-67422581-G-A. GRCh37 (hg19) VCF-style: chr8-68334816-G-A.
Other names: short protein forms L413F.
Identifiers: ClinVar variation 193915 (VCV000193915.15), dbSNP rs142597675, ClinGen allele CA200846.